The following is an entry in ClinVar:

ClinVar aggregate classification (germline): Uncertain significance (1 of 4 stars; one submission).

Allele frequency attached by ClinVar (database versions not stated): gnomAD exomes below 0.00001.
gnomAD v4.1: 1 of 1,543,392 alleles (0.000065%); highest among the groups gnomAD compares: Non-Finnish European, 0.000087%; no homozygotes.

Submission:

Labcorp Genetics (formerly Invitae), Labcorp
Classification: Uncertain significance. Last evaluated: 2022-06-27. Review status: criteria provided, single submitter. Criteria: Invitae Variant Classification Sherloc (09022015). Collection method: clinical testing. Allele origin: germline.
Comment: In summary, the available evidence is currently insufficient to determine the role of this variant in disease. Therefore, it has been classified as a Variant of Uncertain Significance. Algorithms developed to predict the effect of missense changes on protein structure and function are either unavailable or do not agree on the potential impact of this missense change (SIFT: "Deleterious"; PolyPhen-2: "Probably Damaging"; Align-GVGD: "Class C0"). This variant has not been reported in the literature in individuals affected with DLL3-related conditions. This variant is not present in population databases (gnomAD no frequency). This sequence change replaces proline, which is neutral and non-polar, with threonine, which is neutral and polar, at codon 386 of the DLL3 protein (p.Pro386Thr).

NM_203486.3(DLL3):c.1156C>A (p.Pro386Thr)

Gene: DLL3 (delta like canonical Notch ligand 3; plus strand). Cytogenetic location: 19q13.2.
Variant type: single nucleotide variant.
Coding change: c.1156C>A on transcript NM_203486.3 (MANE Select); coding-DNA position 1156, C replaced by A.
Protein change: p.Pro386Thr; replaces proline 386 with threonine.
Molecular consequence: missense variant.
Genome position (GRCh38, 1-based): chr19:39,507,101, C>A. VCF-style: chr19-39507101-C-A. GRCh37 (hg19) VCF-style: chr19-39997741-C-A.
Other names: c.1156C>A, p.Pro386Thr (NM_016941.4); short protein forms P386T.
Identifiers: ClinVar variation 1409241 (VCV001409241.5), dbSNP rs1233408415, ClinGen allele CA405800216.